The following is an entry in ClinVar:

NM_020821.3(VPS13C):c.8074G>T (p.Glu2692Ter)

Gene: VPS13C (vacuolar protein sorting 13 homolog C; minus strand). Cytogenetic location: 15q22.2.
Variant type: single nucleotide variant.
Coding change: c.8074G>T on transcript NM_020821.3 (MANE Select); coding-DNA position 8074, G replaced by T.
Protein change: p.Glu2692Ter; replaces glutamic acid 2692 with a stop codon.
Molecular consequence: nonsense.
Genome position (GRCh38, 1-based): chr15:61,916,004, C>A on the plus strand (G>T on the coding strand, the complement: VPS13C is on the minus strand). VCF-style: chr15-61916004-C-A. GRCh37 (hg19) VCF-style: chr15-62208203-C-A.
Other names: c.8074G>T, p.Glu2692Ter (NM_001018088.3); c.7945G>T, p.Glu2649Ter (NM_017684.5, NM_018080.4); short protein forms E2692*, E2649*.
Identifiers: ClinVar variation 3694296 (VCV003694296.2).

ClinVar aggregate classification (germline): Pathogenic (1 of 4 stars; one submission).

gnomAD v4.1: 12 of 1,586,974 alleles (0.00076%); highest among the groups gnomAD compares: Admixed American, 0.0017%; no homozygotes.

Submission:

Labcorp Genetics (formerly Invitae), Labcorp
Classification: Pathogenic. Last evaluated: 2025-06-10. Review status: criteria provided, single submitter. Criteria: Invitae Variant Classification Sherloc (09022015). Collection method: clinical testing. Allele origin: germline.
Comment: This sequence change creates a premature translational stop signal (p.Glu2692*) in the VPS13C gene. It is expected to result in an absent or disrupted protein product. Loss-of-function variants in VPS13C are known to be pathogenic (PMID: 26942284, 34875562). This variant is not present in population databases (gnomAD no frequency). This variant has not been reported in the literature in individuals affected with VPS13C-related conditions. ClinVar contains an entry for this variant (Variation ID: 3694296). For these reasons, this variant has been classified as Pathogenic.

Literature cited by the submitters: PubMed 26942284; PubMed 34875562.